The following is an entry in ClinVar:

ClinVar aggregate classification (germline): Uncertain significance (1 of 4 stars; one submission).

Conditions:
Regional enteritis. Also called: Enteritis, Granulomatous. Identifiers: MedGen C0678202, MeSH D003424.
Blau syndrome (BLAUS). Also called: ARTHROCUTANEOUVEAL GRANULOMATOSIS; GRANULOMATOSIS, FAMILIAL JUVENILE SYSTEMIC; GRANULOMATOSIS, FAMILIAL, BLAU TYPE; GRANULOMATOUS INFLAMMATORY ARTHRITIS, DERMATITIS, AND UVEITIS, FAMILIAL; JABS SYNDROME. Identifiers: Orphanet 90340, MedGen C5201146, MONDO:0008523, OMIM 186580.

gnomAD v4.1: 5 of 1,611,852 alleles (0.00031%); highest among the groups gnomAD compares: African/African-American, 0.0067%; no homozygotes.

Submission:

Labcorp Genetics (formerly Invitae), Labcorp
Classification: Uncertain significance for Regional enteritis; Blau syndrome. Last evaluated: 2024-12-25. Review status: criteria provided, single submitter. Criteria: Invitae Variant Classification Sherloc (09022015). Collection method: clinical testing. Allele origin: germline.
Comment: This sequence change replaces threonine, which is neutral and polar, with alanine, which is neutral and non-polar, at codon 526 of the NOD2 protein (p.Thr526Ala). This variant is present in population databases (no rsID available, gnomAD 0.01%). This variant has not been reported in the literature in individuals affected with NOD2-related conditions. Invitae Evidence Modeling of protein sequence and biophysical properties (such as structural, functional, and spatial information, amino acid conservation, physicochemical variation, residue mobility, and thermodynamic stability) indicates that this missense variant is not expected to disrupt NOD2 protein function with a negative predictive value of 95%. In summary, the available evidence is currently insufficient to determine the role of this variant in disease. Therefore, it has been classified as a Variant of Uncertain Significance.

NM_001370466.1(NOD2):c.1495A>G (p.Thr499Ala)

Gene: NOD2 (nucleotide binding oligomerization domain containing 2; plus strand). Cytogenetic location: 16q12.1.
Variant type: single nucleotide variant.
Coding change: c.1495A>G on transcript NM_001370466.1 (MANE Select); coding-DNA position 1495, A replaced by G.
Protein change: p.Thr499Ala; replaces threonine 499 with alanine.
Molecular consequence: missense variant. On other transcripts: non-coding transcript variant (1).
Genome position (GRCh38, 1-based): chr16:50,711,487, A>G. VCF-style: chr16-50711487-A-G. GRCh37 (hg19) VCF-style: chr16-50745398-A-G.
Other names: c.1495A>G, p.Thr499Ala (NM_001293557.2); c.1576A>G, p.Thr526Ala (NM_022162.3); short protein forms T499A, T526A.
Identifiers: ClinVar variation 3754429 (VCV003754429.2).
Genomic context (GRCh38, chr16:50,711,487, plus strand): 5'-TCCCCAAAGACCACTACAGATATGTACCTGCTGATTCTGCAGCATTTTCTGCTGCATGCC[A>G]CCCCCCCAGACTCAGCTTCCCAAGGTCTGGGACCCAGTCTTCTTCGGGGCCGCCTCCCCA-3'
Protein context (NP_001357395.1, residues 489-509): LILQHFLLHA[Thr499Ala]PPDSASQGLG